The following is an entry in ClinVar:

NM_001035.3(RYR2):c.9868A>G (p.Ile3290Val)

Gene: RYR2 (ryanodine receptor 2; plus strand). Cytogenetic location: 1q43.
Variant type: single nucleotide variant.
Coding change: c.9868A>G on transcript NM_001035.3 (MANE Select); coding-DNA position 9868, A replaced by G.
Protein change: p.Ile3290Val; replaces isoleucine 3290 with valine.
Molecular consequence: missense variant.
Genome position (GRCh38, 1-based): chr1:237,707,236, A>G. VCF-style: chr1-237707236-A-G. GRCh37 (hg19) VCF-style: chr1-237870536-A-G.
Other names: short protein forms I3290V.
Identifiers: ClinVar variation 4692870 (VCV004692870.1).

ClinVar aggregate classification (germline): Uncertain significance (1 of 4 stars; one submission).

Conditions:
Catecholaminergic polymorphic ventricular tachycardia 1. Also called: RYR2-Related Catecholaminergic Polymorphic Ventricular Tachycardia; VENTRICULAR TACHYCARDIA, STRESS-INDUCED POLYMORPHIC 1; VENTRICULAR TACHYCARDIA, CATECHOLAMINERGIC POLYMORPHIC, 1, WITH OR WITHOUT ATRIAL DYSFUNCTION AND/OR DILATED CARDIOMYOPATHY. Identifiers: Orphanet 3286, MedGen C1631597, MONDO:0011484, OMIM 604772.

Submission:

Labcorp Genetics (formerly Invitae), Labcorp
Classification: Uncertain significance for Catecholaminergic polymorphic ventricular tachycardia 1. Last evaluated: 2025-04-24. Review status: criteria provided, single submitter. Criteria: Invitae Variant Classification Sherloc (09022015). Collection method: clinical testing. Allele origin: germline.
Comment: This sequence change replaces isoleucine, which is neutral and non-polar, with valine, which is neutral and non-polar, at codon 3290 of the RYR2 protein (p.Ile3290Val). This variant is not present in population databases (gnomAD no frequency). This variant has not been reported in the literature in individuals affected with RYR2-related conditions. Invitae Evidence Modeling of protein sequence and biophysical properties (such as structural, functional, and spatial information, amino acid conservation, physicochemical variation, residue mobility, and thermodynamic stability) indicates that this missense variant is not expected to disrupt RYR2 protein function with a negative predictive value of 95%. In summary, the available evidence is currently insufficient to determine the role of this variant in disease. Therefore, it has been classified as a Variant of Uncertain Significance.